The following is an entry in ClinVar:

ClinVar aggregate classification (germline): Pathogenic/Likely pathogenic. Review status: criteria provided, multiple submitters, no conflicts (2 of 4 stars). 4 submissions from 4 submitters: Pathogenic (3); Likely pathogenic (1). Last evaluated 2026-09-08.

Conditions:
Cardiovascular phenotype. Identifiers: MedGen CN230736.
Fabry disease. Also called: CERAMIDE TRIHEXOSIDASE DEFICIENCY; GLA DEFICIENCY; HEREDITARY DYSTOPIC LIPIDOSIS; Ceramide trihexosidosis; Fabry's disease; ALPHA-GALACTOSIDASE A DEFICIENCY. Identifiers: Orphanet 324, MedGen C0002986, MONDO:0010526, OMIM 301500, HP:0001071. Disease mechanism: loss of function, Fabry disease is due to inactivating mutations in the X-linked GLA gene resulting in deficiency of the enzyme Alpha Galactosidase-A..

Allele frequency attached by ClinVar (database versions not stated): gnomAD exomes below 0.00001.

Submissions (4):

Genomenon, Inc
Classification: Pathogenic for Fabry disease. Last evaluated: 2026-09-08. Review status: criteria provided, single submitter. Criteria: Genomenon Sequence Variant Interpretation Standards - Updated. Collection method: curation. Allele origin: germline. Affected: yes.
Comment: GLA p.Ile317Thr (c.950T>C) is a missense variant that changes the amino acid at codon 317 from Isoleucine to Threonine. This variant has been observed in at least one proband with clinical features consistent with Fabry disease (PMID:19265719;17160618;31372342;36879801;38717582;18023222;36383556;33915609;30386727;37323223). The variant was found to segregate with disease in at least one affected family (PMID:18023222;37323223). At least one functional study has demonstrated a substantial alteration in protein function relative to the wild-type (PMID:31036492). It is absent or not present at a significant frequency in gnomAD. In silico models predict that this variant is possibly or probably damaging. In conclusion, we classify GLA p.Ile317Thr (c.950T>C) as a pathogenic variant.

Natera, Inc.
Classification: Likely pathogenic for Fabry disease. Last evaluated: 2024-12-11. Review status: criteria provided, single submitter. Criteria: Natera Variant Classification Schema (03/2026). Collection method: clinical testing. Allele origin: germline.
Comment: The c.950T>C variant in GLA is a missense variant predicted to cause substitution of isoleucine to threonine at amino acid 317. This variant is rare in the general population with a frequency below the threshold expected for the associated phenotype(s). This variant has been observed in affected individual(s) with monoallelic occurrence (heterozygous/hemizygous) (PMID: 11914245, 17040996, 18023222, 35338595, 32843101, 15086478, 23546814, 29437868). Additionally, this variant has been observed to segregate in affected family members (PMID: 17040996). Computational prediction algorithms indicate this variant is likely to affect gene or protein function. Given the available evidence, this variant is classified as Likely Pathogenic.

Ambry Genetics
Classification: Pathogenic for Cardiovascular phenotype. Last evaluated: 2024-08-30. Review status: criteria provided, single submitter. Criteria: Ambry Variant Classification Scheme 2023. Collection method: clinical testing. Allele origin: germline.
Comment: The p.I317T pathogenic mutation (also known as c.950T>C), located in coding exon 6 of the GLA gene, results from a T to C substitution at nucleotide position 950. The isoleucine at codon 317 is replaced by threonine, an amino acid with similar properties. This alteration has been reported in numerous individuals with Fabry disease, including individuals with deficient alpha-galactosidase enzyme activity and symptoms, such as renal insufficiency and cardiac disease (Sachdev B et al. Circulation, 2002 Mar;105:1407-11; Shabbeer J et al. Mol Genet Metab, 2002 May;76:23-30; Merta M et al. Nephrol Dial Transplant, 2007 Jan;22:179-86; Auray-Blais C et al. Mol Genet Metab, 2008 Mar;93:331-40; Chen X et al. ESC Heart Fail, 2021 Dec;8:5436-5444; Effraimidis G et al. PLoS One, 2022 Nov;17:e0277767; Nakamura K et al. Mol Genet Metab Rep, 2023 Sep;36:100983). This variant is considered to be rare based on population cohorts in the Genome Aggregation Database (gnomAD). In addition, this alteration is predicted to be deleterious by in silico analysis. Based on the supporting evidence, this variant is interpreted as a disease-causing mutation.

Labcorp Genetics (formerly Invitae), Labcorp
Classification: Pathogenic for Fabry disease. Last evaluated: 2024-03-16. Review status: criteria provided, single submitter. Criteria: Invitae Variant Classification Sherloc (09022015). Collection method: clinical testing. Allele origin: germline.
Comment: This sequence change replaces isoleucine, which is neutral and non-polar, with threonine, which is neutral and polar, at codon 317 of the GLA protein (p.Ile317Thr). This variant is not present in population databases (gnomAD no frequency). This missense change has been observed in individual(s) with Fabry disease (PMID: 11914245, 12175777, 17040996, 18023222, 23305247). It has also been observed to segregate with disease in related individuals. ClinVar contains an entry for this variant (Variation ID: 844415). Advanced modeling of protein sequence and biophysical properties (such as structural, functional, and spatial information, amino acid conservation, physicochemical variation, residue mobility, and thermodynamic stability) performed at Invitae indicates that this missense variant is expected to disrupt GLA protein function with a positive predictive value of 80%. For these reasons, this variant has been classified as Pathogenic.

Literature cited by the submitters: PubMed 19265719 (cited by Genomenon, Inc and Ambry Genetics); PubMed 17160618 (cited by Genomenon, Inc); PubMed 31372342 (cited by Genomenon, Inc); PubMed 36879801 (cited by Genomenon, Inc); PubMed 38717582 (cited by Genomenon, Inc); PubMed 18023222 (cited by 4 submitters); PubMed 36383556 (cited by Genomenon, Inc and Ambry Genetics); PubMed 33915609 (cited by Genomenon, Inc); PubMed 30386727 (cited by Genomenon, Inc); PubMed 37323223 (cited by Genomenon, Inc and Ambry Genetics); PubMed 31036492 (cited by Genomenon, Inc); PubMed 11914245 (cited by 3 submitters); PubMed 17040996 (cited by 3 submitters); PubMed 35338595 (cited by Natera, Inc.); PubMed 32843101 (cited by Natera, Inc. and Ambry Genetics); PubMed 15086478 (cited by Natera, Inc.); PubMed 23546814 (cited by Natera, Inc.); PubMed 29437868 (cited by Natera, Inc.); PubMed 12175777 (cited by Ambry Genetics and Labcorp Genetics (formerly Invitae), Labcorp); PubMed 23305247 (cited by Ambry Genetics and Labcorp Genetics (formerly Invitae), Labcorp); PubMed 30879055 (cited by Ambry Genetics); PubMed 34704396 (cited by Ambry Genetics).

NM_000169.3(GLA):c.950T>C (p.Ile317Thr)

Genes: GLA (galactosidase alpha; minus strand), RPL36A-HNRNPH2 (RPL36A-HNRNPH2 readthrough; plus strand). Cytogenetic location: Xq22.1.
Variant type: single nucleotide variant.
Coding change: c.950T>C on transcript NM_000169.3 (MANE Select); coding-DNA position 950, T replaced by C.
Protein change: p.Ile317Thr; replaces isoleucine 317 with threonine.
Molecular consequence: missense variant. On other transcripts: non-coding transcript variant (3), intron variant (2).
Genome position (GRCh38, 1-based): chrX:101,398,419, A>G on the plus strand (T>C on the coding strand, the complement: GLA is on the minus strand). VCF-style: chrX-101398419-A-G. GRCh37 (hg19) VCF-style: chrX-100653407-A-G.
Other names: c.1073T>C, p.Ile358Thr (NM_001406747.1); c.950T>C, p.Ile317Thr (NM_001406748.1); c.300+2962A>G (NM_001199973.2); c.177+6597A>G (NM_001199974.2); short protein forms I317T, I358T.
Identifiers: ClinVar variation 844415 (VCV000844415.14), dbSNP rs869312158, ClinGen allele CA16020707.